The following is an entry in ClinVar:

ClinVar aggregate classification (germline): Benign. Review status: criteria provided, multiple submitters, no conflicts (2 of 4 stars). 12 submissions from 12 submitters: Benign (12). Last evaluated 2026-02-03.

Conditions:
Inborn genetic diseases. Identifiers: MedGen C0950123, MeSH D030342.
Developmental and epileptic encephalopathy, 9 (DEE9). Also called: Early infantile epileptic encephalopathy 9; EPILEPSY, FEMALE-RESTRICTED, WITH MENTAL RETARDATION; JUBERG-HELLMAN SYNDROME; PCDH19-Related X-Linked Female-Limited Epilepsy with Mental Retardation. Identifiers: Orphanet 101039, Orphanet 2076, MedGen C1848137, MONDO:0010246, OMIM 300088. Disease mechanism: loss of function.

Allele frequency attached by ClinVar (database versions not stated): ESP Exome Variant Server 0.04711; gnomAD 0.06912 and 0.07732; TOPMed 0.08467; ExAC 0.12424; 1000 Genomes Project 0.16053; 1000 Genomes Project 30x 0.16108.
gnomAD v4.1: 96,126 of 1,210,548 alleles (7.9%); highest among the groups gnomAD compares: East Asian, 27%; 4,215 homozygotes.

Submissions (12):

Labcorp Genetics (formerly Invitae), Labcorp
Classification: Benign for Developmental and epileptic encephalopathy, 9. Last evaluated: 2026-02-03. Review status: criteria provided, single submitter. Criteria: Invitae Variant Classification Sherloc (09022015). Collection method: clinical testing. Allele origin: germline.

Blueprint Genetics
Classification: Benign. Last evaluated: 2024-11-28. Review status: criteria provided, single submitter. Criteria: ACMG Guidelines, 2015. Collection method: clinical testing. Allele origin: germline.

Unidad de Genómica Garrahan, Hospital de Pediatría Garrahan
Classification: Benign. Last evaluated: 2024-07-15. Review status: criteria provided, single submitter. Criteria: ACMG Guidelines, 2015. Collection method: clinical testing. Allele origin: germline. Affected: no. Observed: 32 variant alleles.
Comment: This variant is classified as Benign based on local population frequency. This variant was detected in 34% of patients studied in a panel designed for Epileptic and Developmental Encephalopathy and Progressive Myoclonus Epilepsy. Number of patients: 32. Only high quality variants are reported.

Fulgent Genetics
Classification: Benign for Developmental and epileptic encephalopathy, 9. Last evaluated: 2021-10-05. Review status: criteria provided, single submitter. Criteria: ACMG Guidelines, 2015. Collection method: clinical testing. Allele origin: unknown.

Genome-Nilou Lab
Classification: Benign for Developmental and epileptic encephalopathy, 9. Last evaluated: 2021-09-05. Review status: criteria provided, single submitter. Criteria: ACMG Guidelines, 2015. Collection method: clinical testing. Allele origin: germline. Affected: no.

Mayo Clinic Laboratories, Mayo Clinic
Classification: Benign. Last evaluated: 2018-04-10. Review status: criteria provided, single submitter. Criteria: ACMG Guidelines, 2015. Collection method: clinical testing. Allele origin: germline. Observed: 84 variant alleles.

Ambry Genetics
Classification: Benign for Inborn genetic diseases. Last evaluated: 2016-01-08. Review status: criteria provided, single submitter. Criteria: Ambry Variant Classification Scheme 2023. Collection method: clinical testing. Allele origin: germline.

Eurofins Ntd Llc (ga)
Classification: Benign. Last evaluated: 2014-01-10. Review status: criteria provided, single submitter. Criteria: EGL Classification Definitions 2015. Collection method: clinical testing. Allele origin: germline. Observed: 11 variant alleles, 7 heterozygotes, 4 hemizygotes.

Genetic Services Laboratory, University of Chicago
Classification: Benign. Last evaluated: 2013-02-08. Review status: criteria provided, single submitter. Criteria: ACMG Guidelines, 2007. Collection method: clinical testing. Allele origin: germline. Inheritance: X-linked inheritance.

GeneDx
Classification: Benign. Last evaluated: 2012-03-09. Review status: criteria provided, single submitter. Criteria: GeneDx Variant Classification (06012015). Collection method: clinical testing. Allele origin: germline. Affected: yes.
Comment: This variant is considered likely benign or benign based on one or more of the following criteria: it is a conservative change, it occurs at a poorly conserved position in the protein, it is predicted to be benign by multiple in silico algorithms, and/or has population frequency not consistent with disease.

Breakthrough Genomics
Classification: Benign. Review status: criteria provided, single submitter. Criteria: ACMG Guidelines, 2015. Collection method: not provided. Allele origin: germline. Inheritance: X-linked inheritance. Affected: yes.

PreventionGenetics, part of Exact Sciences
Classification: Benign. Review status: criteria provided, single submitter. Criteria: ACMG Guidelines, 2015. Collection method: clinical testing. Allele origin: germline.

NM_001184880.2(PCDH19):c.402C>A (p.Ile134=)

Gene: PCDH19 (protocadherin 19; minus strand). Cytogenetic location: Xq22.1.
Variant type: single nucleotide variant.
Coding change: c.402C>A on transcript NM_001184880.2 (MANE Select); coding-DNA position 402, C replaced by A.
Protein change: p.Ile134=; no amino-acid change (isoleucine 134 retained).
Molecular consequence: synonymous variant.
Genome position (GRCh38, 1-based): chrX:100,408,196, G>T on the plus strand (C>A on the coding strand, the complement: PCDH19 is on the minus strand). VCF-style: chrX-100408196-G-T. GRCh37 (hg19) VCF-style: chrX-99663194-G-T.
Other names: p.I134I:ATC>ATA; p.Ile134=; c.402C>A, p.Ile134= (NM_001105243.2, NM_020766.3).
Identifiers: ClinVar variation 93677 (VCV000093677.29), dbSNP rs41300169, ClinGen allele CA285467.